The following is an entry in ClinVar:

ClinVar aggregate classification (germline): Benign/Likely benign. Review status: criteria provided, multiple submitters, no conflicts (2 of 4 stars). 6 submissions from 5 submitters: Benign (2); Likely benign (4). Last evaluated 2026-01-31.

Conditions:
Syndactyly. Also called: Webbed fingers or toes. Identifiers: MedGen C0039075, MONDO:0021002, HP:0001159.
Spondylocostal dysostosis 1, autosomal recessive (SCDO1). Also called: DLL3-Related Spondylocostal Dysostosis, Autosomal Recessive. Identifiers: Orphanet 2311, MedGen CN032975, MONDO:0020692, OMIM 277300.

Allele frequency attached by ClinVar (database versions not stated): ExAC 0.00078; 1000 Genomes Project 30x 0.00234; gnomAD 0.00259 and 0.00285; 1000 Genomes Project 0.00280; TOPMed 0.00312.
gnomAD v4.1: 751 of 1,541,550 alleles (0.049%); highest among the groups gnomAD compares: African/African-American, 0.93%; 3 homozygotes.

Submissions (6):

Labcorp Genetics (formerly Invitae), Labcorp
Classification: Benign. Last evaluated: 2026-01-31. Review status: criteria provided, single submitter. Criteria: Invitae Variant Classification Sherloc (09022015). Collection method: clinical testing. Allele origin: germline.

ARUP Laboratories, Molecular Genetics and Genomics, ARUP Laboratories
Classification: Benign for Spondylocostal dysostosis 1, autosomal recessive. Last evaluated: 2023-11-06. Review status: criteria provided, single submitter. Criteria: ARUP Molecular Germline Variant Investigation Process 2024. Collection method: clinical testing. Allele origin: germline.

GeneDx
Classification: Likely benign. Last evaluated: 2020-07-06. Review status: criteria provided, single submitter. Criteria: GeneDx Variant Classification Process June 2021. Collection method: clinical testing. Allele origin: germline. Affected: yes.

Illumina Laboratory Services, Illumina
Classification: Likely benign for Spondylocostal dysostosis 1, autosomal recessive. Last evaluated: 2018-01-13. Review status: criteria provided, single submitter. Criteria: ICSL Variant Classification Criteria 13 December 2019. Collection method: clinical testing. Allele origin: germline.
Comment: This variant was observed in the ICSL laboratory as part of a predisposition screen in an ostensibly healthy population. It had not been previously curated by ICSL or reported in the Human Gene Mutation Database (HGMD: prior to June 1st, 2018), and was therefore a candidate for classification through an automated scoring system. Utilizing variant allele frequency, disease prevalence and penetrance estimates, and inheritance mode, an automated score was calculated to assess if this variant is too frequent to cause the disease. Based on the score and internal cut-off values, a variant classified as likely benign is not then subjected to further curation. The score for this variant resulted in a classification of likely benign for this disease.

Illumina Laboratory Services, Illumina
Classification: Likely benign for Non-syndromic syndactyly. Last evaluated: 2018-01-13. Review status: criteria provided, single submitter. Criteria: ICSL Variant Classification Criteria 13 December 2019. Collection method: clinical testing. Allele origin: germline.
Comment: the same text as in the submission from Illumina Laboratory Services, Illumina above.

Breakthrough Genomics
Classification: Likely benign. Review status: criteria provided, single submitter. Criteria: ACMG Guidelines, 2015. Collection method: not provided. Allele origin: germline. Inheritance: Autosomal recessive inheritance. Affected: yes.

NM_203486.3(DLL3):c.160C>A (p.Leu54Ile)

Gene: DLL3 (delta like canonical Notch ligand 3; plus strand). Cytogenetic location: 19q13.2.
Variant type: single nucleotide variant.
Coding change: c.160C>A on transcript NM_203486.3 (MANE Select); coding-DNA position 160, C replaced by A.
Protein change: p.Leu54Ile; replaces leucine 54 with isoleucine.
Molecular consequence: missense variant.
Genome position (GRCh38, 1-based): chr19:39,499,282, C>A. VCF-style: chr19-39499282-C-A. GRCh37 (hg19) VCF-style: chr19-39989922-C-A.
Other names: c.160C>A, p.Leu54Ile (NM_016941.4); short protein forms L54I.
Identifiers: ClinVar variation 786670 (VCV000786670.22), dbSNP rs200673897, ClinGen allele CA9432122.
Genomic context (GRCh38, chr19:39,499,282, plus strand): 5'-ATCCACTCTTTCGGGCCGGGTCCAGGCCCTGGGGCCCCGCGGTCCCCCTGCAGCGCCCGG[C>A]TCCCCTGCCGCCTCTTCTTCAGAGTCTGCCTGAAGCCTGGGCTCTCAGAGGAGGCCGCCG-3'
Protein context (NP_982353.1, residues 44-64): GAPRSPCSAR[Leu54Ile]PCRLFFRVCL